The following is an entry in ClinVar:

ClinVar aggregate classification (germline): Uncertain significance. Review status: criteria provided, multiple submitters, no conflicts (2 of 4 stars). 2 submissions from 2 submitters: Uncertain significance (2). Last evaluated 2025-05-06.

Conditions:
Inborn genetic diseases. Identifiers: MedGen C0950123, MeSH D030342.

gnomAD v4.1: 14 of 1,612,452 alleles (0.00087%); highest among the groups gnomAD compares: East Asian, 0.0022%; no homozygotes.

Submissions (2):

Ambry Genetics
Classification: Uncertain significance for Inborn genetic diseases. Last evaluated: 2025-05-06. Review status: criteria provided, single submitter. Criteria: Ambry Variant Classification Scheme 2023. Collection method: clinical testing. Allele origin: germline.

Labcorp Genetics (formerly Invitae), Labcorp
Classification: Uncertain significance. Last evaluated: 2022-08-16. Review status: criteria provided, single submitter. Criteria: Invitae Variant Classification Sherloc (09022015). Collection method: clinical testing. Allele origin: germline.
Comment: In summary, the available evidence is currently insufficient to determine the role of this variant in disease. Therefore, it has been classified as a Variant of Uncertain Significance. Algorithms developed to predict the effect of missense changes on protein structure and function are either unavailable or do not agree on the potential impact of this missense change (SIFT: "Deleterious"; PolyPhen-2: "Benign"; Align-GVGD: "Class C35"). ClinVar contains an entry for this variant (Variation ID: 1372228). This variant has not been reported in the literature in individuals affected with RNF216-related conditions. The frequency data for this variant in the population databases is considered unreliable, as metrics indicate poor data quality at this position in the gnomAD database. This sequence change replaces arginine, which is basic and polar, with glutamine, which is neutral and polar, at codon 686 of the RNF216 protein (p.Arg686Gln).

NM_207111.4(RNF216):c.2057G>A (p.Arg686Gln)

Gene: RNF216 (ring finger protein 216; minus strand). Cytogenetic location: 7p22.1.
Variant type: single nucleotide variant.
Coding change: c.2057G>A on transcript NM_207111.4 (MANE Select); coding-DNA position 2057, G replaced by A.
Protein change: p.Arg686Gln; replaces arginine 686 with glutamine.
Molecular consequence: missense variant.
Genome position (GRCh38, 1-based): chr7:5,711,765, C>T on the plus strand (G>A on the coding strand, the complement: RNF216 is on the minus strand). VCF-style: chr7-5711765-C-T. GRCh37 (hg19) VCF-style: chr7-5751396-C-T.
Other names: c.1886G>A, p.Arg629Gln (NM_001377156.1, NM_207116.3); c.2057G>A (NM_207111.3); short protein forms R686Q, R629Q.
Identifiers: ClinVar variation 1372228 (VCV001372228.7), dbSNP rs144580837, ClinGen allele CA366719609.